The following is an entry in ClinVar:

ClinVar aggregate classification (germline): Pathogenic. Review status: criteria provided, multiple submitters, no conflicts (2 of 4 stars). 8 submissions from 8 submitters: Pathogenic (8). Last evaluated 2025-11-08.

Conditions:
Nemaline myopathy 8 (NEM8). Also called: Nemaline myopathy 8, autosomal recessive. Identifiers: Orphanet 171430, MedGen C3809209, MONDO:0014138, OMIM 615348.
KLHL40-related disorders.

Allele frequency attached by ClinVar (database versions not stated): gnomAD 0.00002; TOPMed 0.00004.
gnomAD v4.1: 30 of 1,614,086 alleles (0.0019%); highest among the groups gnomAD compares: East Asian, 0.062%; no homozygotes.

Submissions (8):

Labcorp Genetics (formerly Invitae), Labcorp
Classification: Pathogenic for Nemaline myopathy 8. Last evaluated: 2025-11-08. Review status: criteria provided, single submitter. Criteria: Invitae Variant Classification Sherloc (09022015). Collection method: clinical testing. Allele origin: germline.
Comment: This sequence change replaces threonine, which is neutral and polar, with proline, which is neutral and non-polar, at codon 506 of the KLHL40 protein (p.Thr506Pro). This variant is present in population databases (rs778022582, gnomAD 0.1%). This missense change has been observed in individual(s) with nemaline myopathy and/or fetal akinesia deformation sequence (PMID: 23746549, 27762439, 31360996). In at least one individual the data is consistent with being in trans (on the opposite chromosome) from a pathogenic variant. It has also been observed to segregate with disease in related individuals. ClinVar contains an entry for this variant (Variation ID: 846771). Invitae Evidence Modeling of protein sequence and biophysical properties (such as structural, functional, and spatial information, amino acid conservation, physicochemical variation, residue mobility, and thermodynamic stability) has been performed for this missense variant. However, the output from this modeling did not meet the statistical confidence thresholds required to predict the impact of this variant on KLHL40 protein function. For these reasons, this variant has been classified as Pathogenic.

Victorian Clinical Genetics Services, Murdoch Childrens Research Institute
Classification: Pathogenic for Nemaline myopathy 8. Last evaluated: 2024-10-11. Review status: criteria provided, single submitter. Criteria: ACMG Guidelines, 2015. Collection method: clinical testing. Allele origin: germline. Affected: no.
Comment: This variant is classified as Pathogenic. Evidence in support of pathogenic classification: Variant is present in gnomAD <0.01 for a recessive condition (v2: 26 heterozygotes, 0 homozygotes); This variant has very strong previous evidence of pathogenicity in unrelated individuals. It has been reported in multiple patients with nemaline myopathy and is a recurrent variant in Chinese population (ClinVar, PMIDs: 31360996, 35379254). Additional information: Variant is predicted to result in a missense amino acid change from threonine to proline; This variant is heterozygous; This gene is associated with autosomal recessive disease; An alternative amino acid change at the same position has been observed in gnomAD (v2: 3 heterozygotes, 0 homozygotes); Variant is located in the annotated Kelch_1 domain (DECIPHER); Missense variant with conflicting in silico predictions and uninformative conservation; Loss of function is a known mechanism of disease in this gene and is associated with nemaline myopathy 8 (MIM#615348).

3billion
Classification: Pathogenic for Nemaline myopathy 8. Last evaluated: 2022-09-01. Review status: criteria provided, single submitter. Criteria: ACMG Guidelines, 2015. Collection method: clinical testing. Allele origin: germline. Affected: yes. Observed: 1 homozygote.
Comment: The variant is observed at an extremely low frequency in the gnomAD v2.1.1 dataset (total allele frequency: 0.009%). In silico tool predictions suggest damaging effect of the variant on gene or gene product (REVEL: 0.72; 3Cnet: 0.11). Same nucleotide change resulting in same amino acid change has been previously reported as pathogenic/likely pathogenic with strong evidence (ClinVar ID: VCV000846771). The variant has been reported to be in trans with a pathogenic variant as either compound heterozygous or homozygous in at least 2 similarly affected unrelated individuals (3billion dataset / VCV000846771). Therefore, this variant is classified as Pathogenic according to the recommendation of ACMG/AMP guideline.

Provincial Medical Genetics Program of British Columbia, University of British Columbia
Classification: Pathogenic for Nemaline myopathy 8. Last evaluated: 2022-01-01. Review status: criteria provided, single submitter. Criteria: ACMG Guidelines, 2015. Collection method: clinical testing. Allele origin: maternal. Affected: yes.

Revvity Omics, Revvity
Classification: Pathogenic for Nemaline myopathy 8. Last evaluated: 2021-09-09. Review status: criteria provided, single submitter. Criteria: ACMG Guidelines, 2015. Collection method: clinical testing. Allele origin: germline.

Blueprint Genetics
Classification: Pathogenic for KLHL40-related disorders. Last evaluated: 2020-09-01. Review status: criteria provided, single submitter. Criteria: ACMG Guidelines, 2015. Collection method: clinical testing. Allele origin: germline. Affected: yes. Observed: 3 variant alleles.

Department of Paediatrics and Adolescent Medicine, The University of Hong Kong
Classification: Pathogenic for Nemaline myopathy 8. Last evaluated: 2020-02-01. Review status: criteria provided, single submitter. Criteria: ACMG Guidelines, 2015. Collection method: research. Allele origin: germline. Inheritance: Autosomal recessive inheritance. Affected: yes. Observed: 2 compound heterozygotes, 4 homozygotes. Clinical features observed: Generalized hypotonia (HP:0001290), Bilateral ptosis (HP:0001488), Mask-like facies (HP:0000298), Multiple joint contractures (HP:0002828), Polyhydramnios (HP:0001561), Decreased fetal movement (HP:0001558), Tented upper lip vermilion (HP:0010804), Muscular atrophy (HP:0003202), Flexion contracture (HP:0001371), No obvious fetal movement (observed from fetal ultrasound), Downslanted palpebral fissures (HP:0000494), Frontal bossing (HP:0002007), and 4 more.
Comment: We identified six cases of nemaline myopathy 8 which involves the c.1516A>C variant, from five unrelated families of non-consanguineous southern Chinese. All unrelated patients carried a homozygous c.1516A>C p.(Thr506Pro) mutation, except for two siblings who carried compound heterozygous variants of another variant. Common prenatal features included reduced fetal movement, polyhydramnios, breech presentation, and clubfeet. Two pregnancies were terminated. Four live-born patients had postnatal features typical of nemaline myopathy 8. The length of survival ranged from 49 days to 17 months, with respiratory failure and infections being the principal causes of death. Haplotype analysis in three patients with homozygous mutation showed a shared haplotype block of 1.1727 cM spanning over the c.1516A>C variant, suggesting it is a southern Chinese-specific founder mutation.

Juno Genomics, Hangzhou Juno Genomics, Inc
Classification: Pathogenic for Nemaline myopathy 8. Review status: criteria provided, single submitter. Criteria: ACMG Guidelines, 2015. Collection method: clinical testing. Allele origin: germline.
Comment: Absent from controls (or at extremely low frequency if recessive) in Genome Aggregation Database.;Multiple lines of computational evidence support a deleterious effect on the gene or gene product.;For recessive disorders, detected in trans with a pathogenic variant.;Patient's phenotype or family history is highly specific for a disease with a single genetic etiology.;Co-segregation with disease in multiple affected family members.

Literature cited by the submitters: PubMed 23746549 (cited by Labcorp Genetics (formerly Invitae), Labcorp); PubMed 27762439 (cited by Labcorp Genetics (formerly Invitae), Labcorp); PubMed 31360996 (cited by Labcorp Genetics (formerly Invitae), Labcorp and Victorian Clinical Genetics Services, Murdoch Childrens Research Institute); PubMed 35379254 (cited by Victorian Clinical Genetics Services, Murdoch Childrens Research Institute); PubMed 32352246 (cited by Department of Paediatrics and Adolescent Medicine, The University of Hong Kong).

NM_152393.4(KLHL40):c.1516A>C (p.Thr506Pro)

Gene: KLHL40 (kelch like family member 40; plus strand). Cytogenetic location: 3p22.1.
Variant type: single nucleotide variant.
Coding change: c.1516A>C on transcript NM_152393.4 (MANE Select); coding-DNA position 1516, A replaced by C.
Protein change: p.Thr506Pro; replaces threonine 506 with proline.
Molecular consequence: missense variant.
Genome position (GRCh38, 1-based): chr3:42,688,963, A>C. VCF-style: chr3-42688963-A-C. GRCh37 (hg19) VCF-style: chr3-42730455-A-C.
Other names: short protein forms T506P.
Identifiers: ClinVar variation 846771 (VCV000846771.21), dbSNP rs778022582, ClinGen allele CA2336998.